The following is an entry in ClinVar:

ClinVar aggregate classification (germline): Uncertain significance. Review status: criteria provided, multiple submitters, no conflicts (2 of 4 stars). 2 submissions from 2 submitters: Uncertain significance (2). Last evaluated 2025-05-05.

Conditions:
Inborn genetic diseases. Identifiers: MedGen C0950123, MeSH D030342.

Allele frequency attached by ClinVar (database versions not stated): TOPMed 0.00001; gnomAD 0.00001.
gnomAD v4.1: 2 of 1,614,004 alleles (0.00012%); highest among the groups gnomAD compares: Admixed American, 0.0033%; no homozygotes.

Submissions (2):

Ambry Genetics
Classification: Uncertain significance for Inborn genetic diseases. Last evaluated: 2025-05-05. Review status: criteria provided, single submitter. Criteria: Ambry Variant Classification Scheme 2023. Collection method: clinical testing. Allele origin: germline.

Labcorp Genetics (formerly Invitae), Labcorp
Classification: Uncertain significance. Last evaluated: 2022-06-19. Review status: criteria provided, single submitter. Criteria: Invitae Variant Classification Sherloc (09022015). Collection method: clinical testing. Allele origin: germline.
Comment: This sequence change replaces glutamic acid, which is acidic and polar, with glycine, which is neutral and non-polar, at codon 184 of the FAM161A protein (p.Glu184Gly). This variant is not present in population databases (gnomAD no frequency). This variant has not been reported in the literature in individuals affected with FAM161A-related conditions. Algorithms developed to predict the effect of missense changes on protein structure and function output the following: SIFT: "Deleterious"; PolyPhen-2: "Benign"; Align-GVGD: "Class C0". The glycine amino acid residue is found in multiple mammalian species, which suggests that this missense change does not adversely affect protein function. In summary, the available evidence is currently insufficient to determine the role of this variant in disease. Therefore, it has been classified as a Variant of Uncertain Significance.

NM_001201543.2(FAM161A):c.551A>G (p.Glu184Gly)

Gene: FAM161A (FAM161 centrosomal protein A; minus strand). Cytogenetic location: 2p15.
Variant type: single nucleotide variant.
Coding change: c.551A>G on transcript NM_001201543.2 (MANE Select); coding-DNA position 551, A replaced by G.
Protein change: p.Glu184Gly; replaces glutamic acid 184 with glycine.
Molecular consequence: missense variant. On other transcripts: non-coding transcript variant (1).
Genome position (GRCh38, 1-based): chr2:61,840,453, T>C on the plus strand (A>G on the coding strand, the complement: FAM161A is on the minus strand). VCF-style: chr2-61840453-T-C. GRCh37 (hg19) VCF-style: chr2-62067588-T-C.
Other names: c.551A>G, p.Glu184Gly (NM_032180.3); c.551A>G (NM_001201543.1); short protein forms E184G.
Identifiers: ClinVar variation 1899632 (VCV001899632.3), dbSNP rs1672977605, ClinGen allele CA346988916.